The following is an entry in ClinVar:

NM_031885.5(BBS2):c.1624G>T (p.Gly542Cys)

Gene: BBS2 (Bardet-Biedl syndrome 2; minus strand). Cytogenetic location: 16q13.
Variant type: single nucleotide variant.
Coding change: c.1624G>T on transcript NM_031885.5 (MANE Select); coding-DNA position 1624, G replaced by T.
Protein change: p.Gly542Cys; replaces glycine 542 with cysteine.
Molecular consequence: missense variant. On other transcripts: non-coding transcript variant (5).
Genome position (GRCh38, 1-based): chr16:56,498,472, C>A on the plus strand (G>T on the coding strand, the complement: BBS2 is on the minus strand). VCF-style: chr16-56498472-C-A. GRCh37 (hg19) VCF-style: chr16-56532384-C-A.
Other names: c.1624G>T, p.Gly542Cys (NM_001377456.1); short protein forms G542C.
Identifiers: ClinVar variation 843618 (VCV000843618.11), dbSNP rs556899786, ClinGen allele CA395976530.

ClinVar aggregate classification (germline): Uncertain significance. Review status: criteria provided, multiple submitters, no conflicts (2 of 4 stars). 5 submissions from 5 submitters: Uncertain significance (4). 1 of the submissions does not count toward it. Last evaluated 2026-04-20.

Conditions:
Retinitis pigmentosa 74 (RP74). Identifiers: Orphanet 791, MedGen C4225281, MONDO:0014692, OMIM 616562.
Bardet-Biedl syndrome 2 (BBS2). Identifiers: Orphanet 110, MedGen C2936863, MONDO:0014432, OMIM 615981.
Inborn genetic diseases. Identifiers: MedGen C0950123, MeSH D030342.
BBS2-related disorder. Also called: BBS2-related condition; BBS2-related disorders. Identifiers: MedGen CN239228.
Bardet-Biedl syndrome (BBS). Identifiers: Orphanet 110, MedGen C0752166, MONDO:0015229.

Allele frequency attached by ClinVar (database versions not stated): TOPMed 0.00001.
gnomAD v4.1: 7 of 1,613,952 alleles (0.00043%); highest among the groups gnomAD compares: Non-Finnish European, 0.00059%; no homozygotes.

Submissions (5):

PreventionGenetics, part of Exact Sciences
Classification: Uncertain significance for BBS2-related condition. Last evaluated: 2026-04-20. Review status: criteria provided, single submitter. Criteria: ACMG Guidelines, 2015. Collection method: clinical testing. Allele origin: germline.
Comment: The BBS2 c.1624G>T variant is predicted to result in the amino acid substitution p.Gly542Cys. To our knowledge, this variant has not been reported in the literature. This variant is reported in 0.00088% of alleles in individuals of European (Non-Finnish) descent in gnomAD. At this time, the clinical significance of this variant is uncertain due to the absence of conclusive functional and genetic evidence.

Ambry Genetics
Classification: Uncertain significance for Inborn genetic diseases. Last evaluated: 2025-05-29. Review status: criteria provided, single submitter. Criteria: Ambry Variant Classification Scheme 2023. Collection method: clinical testing. Allele origin: germline.

Fulgent Genetics
Classification: Uncertain significance for Bardet-Biedl syndrome 2; Retinitis pigmentosa 74. Last evaluated: 2024-06-18. Review status: criteria provided, single submitter. Criteria: ACMG Guidelines, 2015. Collection method: clinical testing. Allele origin: germline.

Labcorp Genetics (formerly Invitae), Labcorp
Classification: Uncertain significance for Bardet-Biedl syndrome. Last evaluated: 2022-08-16. Review status: criteria provided, single submitter. Criteria: Invitae Variant Classification Sherloc (09022015). Collection method: clinical testing. Allele origin: germline.
Comment: This sequence change replaces glycine, which is neutral and non-polar, with cysteine, which is neutral and slightly polar, at codon 542 of the BBS2 protein (p.Gly542Cys). This variant is present in population databases (no rsID available, gnomAD 0.0009%). This variant has not been reported in the literature in individuals affected with BBS2-related conditions. ClinVar contains an entry for this variant (Variation ID: 843618). Algorithms developed to predict the effect of missense changes on protein structure and function are either unavailable or do not agree on the potential impact of this missense change (SIFT: "Deleterious"; PolyPhen-2: "Benign"; Align-GVGD: "Class C25"). In summary, the available evidence is currently insufficient to determine the role of this variant in disease. Therefore, it has been classified as a Variant of Uncertain Significance.

Natera, Inc.
Classification: Uncertain significance for Bardet-Biedl syndrome type 2. Last evaluated: 2020-02-06. Review status: no assertion criteria provided. Collection method: clinical testing. Allele origin: germline. Not counted in ClinVar's aggregate classification.